The following is an entry in ClinVar:

NM_006261.5(PROP1):c.156dup (p.Arg53fs)

Gene: PROP1 (PROP paired-like homeobox 1; minus strand). Cytogenetic location: 5q35.3.
Variant type: Duplication.
Coding change: c.156dup on transcript NM_006261.5 (MANE Select); coding-DNA position 156, one base duplicated (G; older notation c.156dupG).
Protein change: p.Arg53fs; shifts the reading frame from arginine 53.
Molecular consequence: frameshift variant.
Genome position (GRCh38, 1-based): chr5:177,994,292, C duplicated on the plus strand (G on the coding strand, the reverse complement: PROP1 is on the minus strand); the first of 6 consecutive C bases (chr5:177,994,292-177,994,297); duplicating any one gives the same sequence. VCF-style (leftmost placement, unchanged base first): chr5-177994291-T-TC. GRCh37 (hg19) VCF-style: chr5-177421292-T-TC.
Other names: c.156dupG (NM_006261.4); short protein forms R53fs.
Identifiers: ClinVar variation 557212 (VCV000557212.10), dbSNP rs1554182514, ClinGen allele CA658822673.
Genomic context (GRCh38, chr5:177,994,291, plus strand): 5'-GGTGGCGGCGCCGGGAGTGCGGGCGGCCCCTCTGTCCTCCTTGCGGGGAGAACCTTGATC[T>TC]CCCCCCTCCTGCACCAGGGAGCCTTCTGCAGGGTGGAGCACTCGAGTCTGAGAACGGAGA-3'

ClinVar aggregate classification (germline): Pathogenic/Likely pathogenic. Review status: criteria provided, multiple submitters, no conflicts (2 of 4 stars). 3 submissions from 3 submitters: Pathogenic (1); Likely pathogenic (1). 1 of the submissions does not count toward it. Last evaluated 2025-02-25.

Conditions:
Pituitary hormone deficiency, combined, 2. Also called: PROP1-Related Combined Pituitary Hormone Deficiency; ATELIOTIC DWARFISM WITH HYPOGONADISM; HANHART DWARFISM; PITUITARY DWARFISM III. Identifiers: MedGen C0878683, MONDO:0009878, OMIM 262600.

Submissions (3):

Labcorp Genetics (formerly Invitae), Labcorp
Classification: Pathogenic. Last evaluated: 2025-02-25. Review status: criteria provided, single submitter. Criteria: Invitae Variant Classification Sherloc (09022015). Collection method: clinical testing. Allele origin: germline.
Comment: This sequence change creates a premature translational stop signal (p.Arg53Glufs*58) in the PROP1 gene. While this is not anticipated to result in nonsense mediated decay, it is expected to disrupt the last 174 amino acid(s) of the PROP1 protein. This variant is not present in population databases (gnomAD no frequency). This variant has not been reported in the literature in individuals affected with PROP1-related conditions. ClinVar contains an entry for this variant (Variation ID: 557212). This variant disrupts a region of the PROP1 protein in which other variant(s) (p.Trp194*) have been determined to be pathogenic (PMID: 15941866, 16735499, 20381582). This suggests that this is a clinically significant region of the protein, and that variants that disrupt it are likely to be disease-causing. For these reasons, this variant has been classified as Pathogenic.

Baylor Genetics
Classification: Likely pathogenic for Pituitary hormone deficiency, combined, 2. Last evaluated: 2023-03-24. Review status: criteria provided, single submitter. Criteria: ACMG Guidelines, 2015. Collection method: clinical testing. Allele origin: unknown.

Counsyl
Classification: Likely pathogenic for Pituitary hormone deficiency, combined, 2. Last evaluated: 2018-03-19. Review status: no assertion criteria provided. Collection method: clinical testing. Allele origin: unknown. Not counted in ClinVar's aggregate classification.

Literature cited by the submitters: PubMed 15941866 (cited by Labcorp Genetics (formerly Invitae), Labcorp); PubMed 16735499 (cited by Labcorp Genetics (formerly Invitae), Labcorp); PubMed 20381582 (cited by Labcorp Genetics (formerly Invitae), Labcorp).